The following is an entry in ClinVar:

NM_005236.3(ERCC4):c.769G>T (p.Ala257Ser)

Gene: ERCC4 (ERCC excision repair 4, endonuclease catalytic subunit; plus strand). Cytogenetic location: 16p13.12.
Variant type: single nucleotide variant.
Coding change: c.769G>T on transcript NM_005236.3 (MANE Select); coding-DNA position 769, G replaced by T.
Protein change: p.Ala257Ser; replaces alanine 257 with serine.
Molecular consequence: missense variant.
Genome position (GRCh38, 1-based): chr16:13,928,212, G>T. VCF-style: chr16-13928212-G-T. GRCh37 (hg19) VCF-style: chr16-14022069-G-T.
Other names: short protein forms A257S.
Identifiers: ClinVar variation 1433271 (VCV001433271.6), dbSNP rs962536419, ClinGen allele CA278464509.

ClinVar aggregate classification (germline): Uncertain significance (1 of 4 stars; one submission).

Conditions:
Cockayne syndrome. Identifiers: Orphanet 191, MedGen C0009207, MONDO:0016006.
Xeroderma pigmentosum, group F (XPF). Also called: XERODERMA PIGMENTOSUM, COMPLEMENTATION GROUP F; XERODERMA PIGMENTOSUM, TYPE F; Xeroderma pigmentosum, type 6; ERCC4-Related Xeroderma Pigmentosum; XERODERMA PIGMENTOSUM VI; XP, GROUP F. Identifiers: MedGen C0268140, MONDO:0010215, OMIM 278760.
Fanconi anemia complementation group Q. Identifiers: Orphanet 84, MedGen C3808988, MONDO:0014108, OMIM 615272.

Allele frequency attached by ClinVar (database versions not stated): TOPMed 0.00002.

Submission:

Labcorp Genetics (formerly Invitae), Labcorp
Classification: Uncertain significance for Fanconi anemia complementation group Q; Xeroderma pigmentosum, group F; Cockayne syndrome. Last evaluated: 2021-08-13. Review status: criteria provided, single submitter. Criteria: Invitae Variant Classification Sherloc (09022015). Collection method: clinical testing. Allele origin: germline.
Comment: In summary, the available evidence is currently insufficient to determine the role of this variant in disease. Therefore, it has been classified as a Variant of Uncertain Significance. This sequence change replaces alanine with serine at codon 257 of the ERCC4 protein (p.Ala257Ser). The alanine residue is moderately conserved and there is a moderate physicochemical difference between alanine and serine. This variant is not present in population databases (ExAC no frequency). This variant has not been reported in the literature in individuals affected with ERCC4-related conditions. Algorithms developed to predict the effect of missense changes on protein structure and function (SIFT, PolyPhen-2, Align-GVGD) all suggest that this variant is likely to be tolerated.